The following is an entry in ClinVar:

ClinVar aggregate classification (germline): Likely pathogenic (1 of 4 stars; one submission).

Conditions:
Long QT syndrome 1 (LQT1). Identifiers: Orphanet 101016, Orphanet 768, MedGen C4551647, MONDO:0100316, OMIM 192500, MONDO:0008646.

Submission:

Labcorp Genetics (formerly Invitae), Labcorp
Classification: Likely pathogenic for Long QT syndrome 1. Last evaluated: 2022-10-03. Review status: criteria provided, single submitter. Criteria: Invitae Variant Classification Sherloc (09022015). Collection method: clinical testing. Allele origin: germline.
Comment: In summary, the currently available evidence indicates that the variant is pathogenic, but additional data are needed to prove that conclusively. Therefore, this variant has been classified as Likely Pathogenic. Algorithms developed to predict the effect of missense changes on protein structure and function (SIFT, PolyPhen-2, Align-GVGD) all suggest that this variant is likely to be tolerated. ClinVar contains an entry for this variant (Variation ID: 1467722). This missense change has been observed in individual(s) with clinical features of CALM2-related conditions (Invitae). In at least one individual the variant was observed to be de novo. This variant is not present in population databases (gnomAD no frequency). This sequence change replaces glutamic acid, which is acidic and polar, with aspartic acid, which is acidic and polar, at codon 141 of the CALM2 protein (p.Glu141Asp).

NM_001743.6(CALM2):c.423G>C (p.Glu141Asp)

Gene: CALM2 (calmodulin 2; minus strand). Cytogenetic location: 2p21.
Variant type: single nucleotide variant.
Coding change: c.423G>C on transcript NM_001743.6 (MANE Select); coding-DNA position 423, G replaced by C.
Protein change: p.Glu141Asp; replaces glutamic acid 141 with aspartic acid.
Molecular consequence: missense variant.
Genome position (GRCh38, 1-based): chr2:47,160,803, C>G on the plus strand (G>C on the coding strand, the complement: CALM2 is on the minus strand). VCF-style: chr2-47160803-C-G. GRCh37 (hg19) VCF-style: chr2-47387942-C-G.
Other names: c.567G>C, p.Glu189Asp (NM_001305624.1); c.315G>C, p.Glu105Asp (NM_001305625.2, NM_001305626.1); short protein forms E105D, E189D, E141D.
Identifiers: ClinVar variation 1467722 (VCV001467722.8), dbSNP rs2103821507, ClinGen allele CA346718914.